The following is an entry in ClinVar:

NM_002691.4(POLD1):c.401G>C (p.Gly134Ala)

Gene: POLD1 (DNA polymerase delta 1, catalytic subunit; plus strand). Cytogenetic location: 19q13.33.
Variant type: single nucleotide variant.
Coding change: c.401G>C on transcript NM_002691.4 (MANE Select); coding-DNA position 401, G replaced by C.
Protein change: p.Gly134Ala; replaces glycine 134 with alanine.
Molecular consequence: missense variant. On other transcripts: non-coding transcript variant (1).
Genome position (GRCh38, 1-based): chr19:50,401,862, G>C. VCF-style: chr19-50401862-G-C. GRCh37 (hg19) VCF-style: chr19-50905119-G-C.
Other names: c.401G>C, p.Gly134Ala (NM_001256849.1, NM_001308632.1); short protein forms G134A.
Identifiers: ClinVar variation 2625402 (VCV002625402.5), dbSNP rs2122233717, ClinGen allele CA406972471.

ClinVar aggregate classification (germline): Uncertain significance. Review status: criteria provided, multiple submitters, no conflicts (2 of 4 stars). 2 submissions from 2 submitters: Uncertain significance (2). Last evaluated 2025-05-05.

Conditions:
POLD1-related polyposis and colorectal cancer syndrome (CRCS10). Also called: Colorectal cancer, susceptibility to, 10; Colorectal cancer 10; COLORECTAL CANCER, SUSCEPTIBILITY TO, ON CHROMOSOME 19q. Identifiers: Orphanet 220460, MedGen C2675481, MONDO:0012953, OMIM 612591.
Hereditary cancer-predisposing syndrome. Also called: Hereditary Cancer Syndrome; Hereditary neoplastic syndrome; Neoplastic Syndromes, Hereditary; Tumor predisposition. Identifiers: Orphanet 140162, MedGen C0027672, MeSH D009386, MONDO:0015356.

Submissions (2):

Labcorp Genetics (formerly Invitae), Labcorp
Classification: Uncertain significance for POLD1-related polyposis and colorectal cancer syndrome. Last evaluated: 2025-05-05. Review status: criteria provided, single submitter. Criteria: Invitae Variant Classification Sherloc (09022015). Collection method: clinical testing. Allele origin: germline.
Comment: This sequence change replaces glycine, which is neutral and non-polar, with alanine, which is neutral and non-polar, at codon 134 of the POLD1 protein (p.Gly134Ala). This variant is not present in population databases (gnomAD no frequency). This variant has not been reported in the literature in individuals affected with POLD1-related conditions. ClinVar contains an entry for this variant (Variation ID: 2625402). Invitae Evidence Modeling of protein sequence and biophysical properties (such as structural, functional, and spatial information, amino acid conservation, physicochemical variation, residue mobility, and thermodynamic stability) indicates that this missense variant is expected to disrupt POLD1 protein function with a positive predictive value of 80%. In summary, the available evidence is currently insufficient to determine the role of this variant in disease. Therefore, it has been classified as a Variant of Uncertain Significance.

Ambry Genetics
Classification: Uncertain significance for Hereditary cancer-predisposing syndrome. Last evaluated: 2023-07-27. Review status: criteria provided, single submitter. Criteria: Ambry Variant Classification Scheme 2023. Collection method: clinical testing. Allele origin: germline.
Comment: The p.G134A variant (also known as c.401G>C), located in coding exon 3 of the POLD1 gene, results from a G to C substitution at nucleotide position 401. The glycine at codon 134 is replaced by alanine, an amino acid with similar properties. This amino acid position is conserved. In addition, the in silico prediction for this alteration is inconclusive. Since supporting evidence is limited at this time, the clinical significance of this alteration remains unclear.